The following is an entry in ClinVar:

NM_019888.3(MC3R):c.420C>T (p.Val140=)

Gene: MC3R (melanocortin 3 receptor; plus strand). Cytogenetic location: 20q13.2.
Variant type: single nucleotide variant.
Coding change: c.420C>T on transcript NM_019888.3 (MANE Select); coding-DNA position 420, C replaced by T.
Protein change: p.Val140=; no amino-acid change (valine 140 retained).
Molecular consequence: synonymous variant.
Genome position (GRCh38, 1-based): chr20:56,249,263, C>T. VCF-style: chr20-56249263-C-T. GRCh37 (hg19) VCF-style: chr20-54824319-C-T.
Identifiers: ClinVar variation 3352839 (VCV003352839.1).

ClinVar aggregate classification (germline): Likely benign (0 of 4 stars; one submission).

Conditions:
MC3R-related disorder. Also called: MC3R-related condition.

Submission:

PreventionGenetics, part of Exact Sciences
Classification: Likely benign for MC3R-related condition. Last evaluated: 2024-08-05. Review status: no assertion criteria provided. Collection method: clinical testing. Allele origin: germline.
Comment: This variant is classified as likely benign based on ACMG/AMP sequence variant interpretation guidelines (Richards et al. 2015 PMID: 25741868, with internal and published modifications).